The following is an entry in ClinVar:

ClinVar aggregate classification (germline): Uncertain significance (1 of 4 stars; one submission).

Conditions:
Nemaline myopathy 2 (NEM2). Also called: Nemaline myopathy 2, autosomal recessive. Identifiers: MedGen C1850569, MONDO:0009725, OMIM 256030.

Submission:

Labcorp Genetics (formerly Invitae), Labcorp
Classification: Uncertain significance for Nemaline myopathy 2. Last evaluated: 2017-08-27. Review status: criteria provided, single submitter. Criteria: Invitae Variant Classification Sherloc (09022015). Collection method: clinical testing. Allele origin: germline.
Comment: In summary, the available evidence is currently insufficient to determine the role of this variant in disease. Therefore, it has been classified as a Variant of Uncertain Significance. Algorithms developed to predict the effect of missense changes on protein structure and function (SIFT, Align-GVGD) all suggest that this variant is likely to be tolerated, but these predictions have not been confirmed by published functional studies and their clinical significance is uncertain. This variant has not been reported in the literature in individuals with NEB-related disease. This variant is not present in population databases (ExAC no frequency). This sequence change replaces valine with phenylalanine at codon 3405 of the NEB protein (p.Val3405Phe). The valine residue is moderately conserved and there is a small physicochemical difference between valine and phenylalanine.

NM_001164508.2(NEB):c.10213G>T (p.Val3405Phe)

Gene: NEB (nebulin; minus strand). Cytogenetic location: 2q23.3.
Variant type: single nucleotide variant.
Coding change: c.10213G>T on transcript NM_001164508.2 (MANE Select); coding-DNA position 10213, G replaced by T.
Protein change: p.Val3405Phe; replaces valine 3405 with phenylalanine.
Molecular consequence: missense variant.
Genome position (GRCh38, 1-based): chr2:151,627,136, C>A on the plus strand (G>T on the coding strand, the complement: NEB is on the minus strand). VCF-style: chr2-151627136-C-A. GRCh37 (hg19) VCF-style: chr2-152483650-C-A.
Other names: c.10213G>T, p.Val3405Phe (NM_001164507.2, NM_001271208.2); c.9484G>T, p.Val3162Phe (NM_004543.5); short protein forms V3405F, V3162F.
Identifiers: ClinVar variation 465427 (VCV000465427.8), dbSNP rs1553927988, ClinGen allele CA348792695.